The following is an entry in ClinVar:

NC_000007.14:g.156789413T>G

Genes: LMBR1 (limb development membrane protein 1; minus strand), SHH (sonic hedgehog signaling molecule; minus strand). Cytogenetic location: 7q36.3.
Variant type: single nucleotide variant.
Molecular consequence: intron variant (on NM_022458.4).
Genome position: GRCh38 VCF-style: chr7-156789413-T-G. GRCh37 (hg19) VCF-style: chr7-156582107-T-G.
Other names: c.423+6976A>C (NM_022458.4, NM_001363409.2, NM_001350953.2 and 1 more transcripts); c.-112+6976A>C (NM_001350958.2, NM_001350956.2, NM_001350955.2 and 1 more transcripts); c.54+6976A>C (NM_001350957.2, NM_001363411.2); c.360+6976A>C (NM_001363412.2); c.144+6976A>C (NM_001350954.2).
Identifiers: ClinVar variation 1384972 (VCV001384972.1), dbSNP rs1298076365, ClinGen allele CA579061486.

ClinVar aggregate classification (germline): Uncertain significance (1 of 4 stars; one submission).

Conditions:
Holoprosencephaly 3 (HPE3). Identifiers: Orphanet 2162, MedGen C1840529, MONDO:0007733, OMIM 142945.

Allele frequency attached by ClinVar (database versions not stated): gnomAD 0.00001.
gnomAD v4.1: 1 of 152,220 alleles (0.00066%); highest among the groups gnomAD compares: Non-Finnish European, 0.0015%; no homozygotes.

Submission:

Labcorp Genetics (formerly Invitae), Labcorp
Classification: Uncertain significance for Holoprosencephaly 3. Last evaluated: 2021-12-05. Review status: criteria provided, single submitter. Criteria: Invitae Variant Classification Sherloc (09022015). Collection method: clinical testing. Allele origin: germline.
Comment: This variant occurs in a non-coding region of the SHH gene. It does not change the encoded amino acid sequence of the SHH protein. This variant is present in population databases (no rsID available, gnomAD 0.007%). This variant has not been reported in the literature in individuals affected with SHH-related conditions. Experimental studies and prediction algorithms are not available or were not evaluated, and the functional significance of this variant is currently unknown. In summary, the available evidence is currently insufficient to determine the role of this variant in disease. Therefore, it has been classified as a Variant of Uncertain Significance.